The following is an entry in ClinVar:

ClinVar aggregate classification (germline): Uncertain significance (1 of 4 stars; one submission).

Conditions:
Cardiovascular phenotype. Identifiers: MedGen CN230736.

Allele frequency attached by ClinVar (database versions not stated): gnomAD exomes below 0.00001; TOPMed below 0.00001.

Submission:

Ambry Genetics
Classification: Uncertain significance for Cardiovascular phenotype. Last evaluated: 2023-03-21. Review status: criteria provided, single submitter. Criteria: Ambry Variant Classification Scheme 2023. Collection method: clinical testing. Allele origin: germline.
Comment: The p.L3744F variant (also known as c.11230C>T), located in coding exon 26 of the APOB gene, results from a C to T substitution at nucleotide position 11230. The leucine at codon 3744 is replaced by phenylalanine, an amino acid with highly similar properties. This amino acid position is conserved. In addition, this alteration is predicted to be tolerated by in silico analysis. Since supporting evidence is limited at this time, the clinical significance of this alteration remains unclear.

NM_000384.3(APOB):c.11230C>T (p.Leu3744Phe)

Gene: APOB (apolipoprotein B; minus strand). Cytogenetic location: 2p24.1.
Variant type: single nucleotide variant.
Coding change: c.11230C>T on transcript NM_000384.3 (MANE Select); coding-DNA position 11230, C replaced by T.
Protein change: p.Leu3744Phe; replaces leucine 3744 with phenylalanine.
Molecular consequence: missense variant.
Genome position (GRCh38, 1-based): chr2:21,005,638, G>A on the plus strand (C>T on the coding strand, the complement: APOB is on the minus strand). VCF-style: chr2-21005638-G-A. GRCh37 (hg19) VCF-style: chr2-21228510-G-A.
Other names: short protein forms L3744F.
Identifiers: ClinVar variation 2565834 (VCV002565834.2), dbSNP rs1375936307, ClinGen allele CA345980398.
Genomic context (GRCh38, chr2:21,005,638, plus strand): 5'-CAAGTTTGCACGATGGAACCTGAAGATCTGTAAATGGGACATGGAACGTAGGCATGACAA[G>A]AACTGAATTTAGATCATTTAGTTTCAGCCCAGGAATAATGAATTTATCAGCCAAAACTTT-3'
Protein context (NP_000375.3, residues 3734-3754): GLKLNDLNSV[Leu3744Phe]VMPTFHVPFT